The following is an entry in ClinVar:

ClinVar aggregate classification (germline): Benign. Review status: criteria provided, multiple submitters, no conflicts (2 of 4 stars). 2 submissions from 2 submitters: Benign (2). Last evaluated 2018-06-17.

Allele frequency attached by ClinVar (database versions not stated): gnomAD exomes 0.10551; ExAC 0.11050; 1000 Genomes Project 0.13119; 1000 Genomes Project 30x 0.13304; gnomAD 0.14617 and 0.15254; TOPMed 0.15049; ESP Exome Variant Server 0.16105.
gnomAD v4.1: 177,534 of 1,519,242 alleles (12%); highest among the groups gnomAD compares: African/African-American, 24%; 11,622 homozygotes.

Submissions (2):

GeneDx
Classification: Benign. Last evaluated: 2018-06-17. Review status: criteria provided, single submitter. Criteria: GeneDx Variant Classification (06012015). Collection method: clinical testing. Allele origin: germline. Affected: yes.
Comment: This variant is considered likely benign or benign based on one or more of the following criteria: it is a conservative change, it occurs at a poorly conserved position in the protein, it is predicted to be benign by multiple in silico algorithms, and/or has population frequency not consistent with disease.

Breakthrough Genomics
Classification: Benign. Review status: criteria provided, single submitter. Criteria: ACMG Guidelines, 2015. Collection method: not provided. Allele origin: germline. Inheritance: Autosomal recessive inheritance. Affected: yes.

NM_147127.5(EVC2):c.707-51C>T

Gene: EVC2 (EvC ciliary complex subunit 2; minus strand). Cytogenetic location: 4p16.2.
Variant type: single nucleotide variant.
Coding change: c.707-51C>T on transcript NM_147127.5 (MANE Select); 51 bases into the intron before coding-DNA position 707, C replaced by T.
Molecular consequence: intron variant.
Genome position (GRCh38, 1-based): chr4:5,685,530, G>A on the plus strand (C>T on the coding strand, the complement: EVC2 is on the minus strand). VCF-style: chr4-5685530-G-A. GRCh37 (hg19) VCF-style: chr4-5687257-G-A.
Other names: c.467-51C>T (NM_001166136.2).
Identifiers: ClinVar variation 675121 (VCV000675121.2), dbSNP rs13129960, ClinGen allele CA2835349.